The following is an entry in ClinVar:

NM_005896.4(IDH1):c.1144G>T (p.Gly382Cys)

Gene: IDH1 (isocitrate dehydrogenase (NADP(+)) 1; minus strand). Cytogenetic location: 2q34.
Variant type: single nucleotide variant.
Coding change: c.1144G>T on transcript NM_005896.4 (MANE Select); coding-DNA position 1144, G replaced by T.
Protein change: p.Gly382Cys; replaces glycine 382 with cysteine.
Molecular consequence: missense variant.
Genome position (GRCh38, 1-based): chr2:208,239,081, C>A on the plus strand (G>T on the coding strand, the complement: IDH1 is on the minus strand). VCF-style: chr2-208239081-C-A. GRCh37 (hg19) VCF-style: chr2-209103805-C-A.
Other names: c.1144G>T, p.Gly382Cys (NM_001282386.1, NM_001282387.1); short protein forms G382C.
Identifiers: ClinVar variation 1732197 (VCV001732197.2), dbSNP rs1687869589, ClinGen allele CA350094035.
Genomic context (GRCh38, chr2:208,239,081, plus strand): 5'-TGAGGATAAGTGTTAATTTGACCATAGAAACTAGGGCATCTTATACTTACTTGGGTAAAC[C>A]TTTAATGCAAGCAGCCAAGTCCTTGGTCATGAAGCCAGCCTCAATTGTCTCAATAGAGAC-3'
Protein context (NP_005887.2, residues 372-392): MTKDLAACIK[Gly382Cys]LPNVQRSDYL

ClinVar aggregate classification (germline): Uncertain significance (1 of 4 stars; one submission).

Allele frequency attached by ClinVar (database versions not stated): gnomAD 0.00001.
gnomAD v4.1: 1 of 1,613,696 alleles (0.000062%); highest among the groups gnomAD compares: South Asian, 0.0011%; no homozygotes.

Submission:

Ambry Genetics
Classification: Uncertain significance. Last evaluated: 2022-08-12. Review status: criteria provided, single submitter. Criteria: Ambry Variant Classification Scheme 2023. Collection method: clinical testing. Allele origin: germline.
Comment: The p.G382C variant (also known as c.1144G>T), located in coding exon 7 of the IDH1 gene, results from a G to T substitution at nucleotide position 1144. The glycine at codon 382 is replaced by cysteine, an amino acid with highly dissimilar properties. This amino acid position is conserved. In addition, this alteration is predicted to be deleterious by in silico analysis. Since supporting evidence is limited at this time, the clinical significance of this alteration remains unclear.